The following is an entry in ClinVar:

NM_001059.3(TACR3):c.311_312insTCCTGGATTGCAAGTATGAAATCTTCCTGGATTTGGGAAATCT (p.Leu104_Ile105insProGlyLeuGlnValTer)

Gene: TACR3 (tachykinin receptor 3; minus strand). Cytogenetic location: 4q24.
Variant type: Insertion.
Coding change: c.311_312insTCCTGGATTGCAAGTATGAAATCTTCCTGGATTTGGGAAATCT on transcript NM_001059.3 (MANE Select); coding-DNA positions 311 to 312, TCCTGGATTGCAAGTATGAAATCTTCCTGGATTTGGGAAATCT inserted.
Protein change: p.Leu104_Ile105insProGlyLeuGlnValTer.
Molecular consequence: nonsense, inframe insertion. On other transcripts: frameshift variant (1).
Genome position: GRCh38: chr4:103,719,376-103,719,377. GRCh37 (hg19): chr4:104,640,533-104,640,534.
Other names: c.311_312insTCCTGGATTGCAAGTATGAAATCTTCCTGGATTTGGGAAATCT (NM_001059.2).
Identifiers: ClinVar variation 2633867 (VCV002633867.1), dbSNP rs2475987388, ClinGen allele CA2695198504.
Genomic context (GRCh38, chr4:103,719,364, plus strand): 5'-AAGGAAGTAGTTGGTGACAGTCCTCATGCGCTTGTGGGCCAGGATGATCCAGATGACGAT[G>GAGATTTCCCAAATCCAGGAAGATTTCATACTTGCAATCCAGGA]AGATTTCCCAAAACTGCCACTGCCACCACCACACCATACGCCAGGGACCAGAGCGCGATG-3'

ClinVar aggregate classification (germline): Likely pathogenic (1 of 4 stars; one submission).

Conditions:
TACR3-related disorder. Also called: TACR3-related condition.

Submission:

PreventionGenetics, part of Exact Sciences
Classification: Likely pathogenic for TACR3-related condition. Last evaluated: 2023-03-02. Review status: criteria provided, single submitter. Criteria: ACMG Guidelines, 2015. Collection method: clinical testing. Allele origin: germline.
Comment: The TACR3 c.311_312insTCCTGGATTGCAAGTATGAAATCTTCCTGGATTTGGGAAATCT variant is predicted to result in a frameshift and premature protein termination (p.Ile105Profs*6). To our knowledge, this variant has not been reported in the literature or in a large population database, indicating this variant is rare. Frameshift variants in TACR3 are expected to be pathogenic. This variant is interpreted as likely pathogenic.